The following is an entry in ClinVar:

ClinVar aggregate classification (germline): Likely benign. Review status: criteria provided, multiple submitters, no conflicts (2 of 4 stars). 3 submissions from 3 submitters: Likely benign (2). 1 of the submissions does not count toward it. Last evaluated 2025-09-14.

Conditions:
TUB-related disorder. Also called: TUB-related condition.

Allele frequency attached by ClinVar (database versions not stated): gnomAD 0.00002; TOPMed 0.00003; gnomAD exomes 0.00004 and 0.00011; ExAC 0.00006; ESP Exome Variant Server 0.00015.
gnomAD v4.1: 165 of 1,612,982 alleles (0.01%); highest among the groups gnomAD compares: Non-Finnish European, 0.014%; no homozygotes.

Submissions (3):

Labcorp Genetics (formerly Invitae), Labcorp
Classification: Likely benign. Last evaluated: 2025-09-14. Review status: criteria provided, single submitter. Criteria: Invitae Variant Classification Sherloc (09022015). Collection method: clinical testing. Allele origin: germline.

Blueprint Genetics
Classification: Likely benign. Last evaluated: 2024-04-10. Review status: criteria provided, single submitter. Criteria: ACMG Guidelines, 2015. Collection method: clinical testing. Allele origin: germline.

PreventionGenetics, part of Exact Sciences
Classification: Likely benign for TUB-related condition. Last evaluated: 2021-10-04. Review status: no assertion criteria provided. Collection method: clinical testing. Allele origin: germline. Not counted in ClinVar's aggregate classification.
Comment: This variant is classified as likely benign based on ACMG/AMP sequence variant interpretation guidelines (Richards et al. 2015 PMID: 25741868, with internal and published modifications).

NM_177972.3(TUB):c.483C>T (p.His161=)

Genes: RIC3 (RIC3 acetylcholine receptor chaperone; minus strand), TUB (TUB bipartite transcription factor; plus strand). Cytogenetic location: 11p15.4.
Variant type: single nucleotide variant.
Coding change: c.483C>T on transcript NM_177972.3 (MANE Select); coding-DNA position 483, C replaced by T.
Protein change: p.His161=; no amino-acid change (histidine 161 retained).
Molecular consequence: synonymous variant.
Genome position (GRCh38, 1-based): chr11:8,095,583, C>T. VCF-style: chr11-8095583-C-T. GRCh37 (hg19) VCF-style: chr11-8117130-C-T.
Other names: c.648C>T, p.His216= (NM_003320.5); c.648C>T (NM_003320.4).
Identifiers: ClinVar variation 1114585 (VCV001114585.12), dbSNP rs151180468, ClinGen allele CA5871107.